The following is an entry in ClinVar:

NM_005751.5(AKAP9):c.919G>C (p.Val307Leu)

Gene: AKAP9 (A-kinase anchoring protein 9; plus strand). Cytogenetic location: 7q21.2.
Variant type: single nucleotide variant.
Coding change: c.919G>C on transcript NM_005751.5 (MANE Select); coding-DNA position 919, G replaced by C.
Protein change: p.Val307Leu; replaces valine 307 with leucine.
Molecular consequence: missense variant.
Genome position (GRCh38, 1-based): chr7:91,995,789, G>C. VCF-style: chr7-91995789-G-C. GRCh37 (hg19) VCF-style: chr7-91625103-G-C.
Other names: c.919G>C, p.Val307Leu (NM_147185.3); short protein forms V307L.
Identifiers: ClinVar variation 662953 (VCV000662953.6), dbSNP rs989895553, ClinGen allele CA161903574.

ClinVar aggregate classification (germline): Uncertain significance. Review status: criteria provided, multiple submitters, no conflicts (2 of 4 stars). 2 submissions from 2 submitters: Uncertain significance (2). Last evaluated 2022-11-17.

Conditions:
Cardiovascular phenotype. Identifiers: MedGen CN230736.
Long QT syndrome (LQTS). Identifiers: MedGen C0023976, MeSH D008133, MONDO:0002442. Disease mechanism: loss of function. Inheritance: Various modes of inheritance.

Allele frequency attached by ClinVar (database versions not stated): gnomAD exomes below 0.00001.
gnomAD v4.1: 1 of 1,603,524 alleles (0.000062%); highest among the groups gnomAD compares: Admixed American, 0.0017%; no homozygotes.

Submissions (2):

Ambry Genetics
Classification: Uncertain significance for Cardiovascular phenotype. Last evaluated: 2022-11-17. Review status: criteria provided, single submitter. Criteria: Ambry Variant Classification Scheme 2023. Collection method: clinical testing. Allele origin: germline.
Comment: The p.V307L variant (also known as c.919G>C), located in coding exon 7 of the AKAP9 gene, results from a G to C substitution at nucleotide position 919. The valine at codon 307 is replaced by leucine, an amino acid with highly similar properties. This amino acid position is conserved. In addition, this alteration is predicted to be tolerated by in silico analysis. Since supporting evidence is limited at this time, the clinical significance of this alteration remains unclear.

Labcorp Genetics (formerly Invitae), Labcorp
Classification: Uncertain significance for Long QT syndrome. Last evaluated: 2021-09-02. Review status: criteria provided, single submitter. Criteria: Invitae Variant Classification Sherloc (09022015). Collection method: clinical testing. Allele origin: germline.